The following is an entry in ClinVar:

ClinVar aggregate classification (germline): Uncertain significance (1 of 4 stars; one submission).

Submission:

Labcorp Genetics (formerly Invitae), Labcorp
Classification: Uncertain significance. Last evaluated: 2022-12-31. Review status: criteria provided, single submitter. Criteria: Invitae Variant Classification Sherloc (09022015). Collection method: clinical testing. Allele origin: germline.
Comment: This sequence change replaces glycine, which is neutral and non-polar, with cysteine, which is neutral and slightly polar, at codon 487 of the THBD protein (p.Gly487Cys). This variant is not present in population databases (gnomAD no frequency). This variant has not been reported in the literature in individuals affected with THBD-related conditions. Advanced modeling of protein sequence and biophysical properties (such as structural, functional, and spatial information, amino acid conservation, physicochemical variation, residue mobility, and thermodynamic stability) performed at Invitae indicates that this missense variant is not expected to disrupt THBD protein function. In summary, the available evidence is currently insufficient to determine the role of this variant in disease. Therefore, it has been classified as a Variant of Uncertain Significance.

NM_000361.3(THBD):c.1459G>T (p.Gly487Cys)

Gene: THBD (thrombomodulin; minus strand). Cytogenetic location: 20p11.21.
Variant type: single nucleotide variant.
Coding change: c.1459G>T on transcript NM_000361.3 (MANE Select); coding-DNA position 1459, G replaced by T.
Protein change: p.Gly487Cys; replaces glycine 487 with cysteine.
Molecular consequence: missense variant.
Genome position (GRCh38, 1-based): chr20:23,048,046, C>A on the plus strand (G>T on the coding strand, the complement: THBD is on the minus strand). VCF-style: chr20-23048046-C-A. GRCh37 (hg19) VCF-style: chr20-23028683-C-A.
Other names: short protein forms G487C.
Identifiers: ClinVar variation 2825315 (VCV002825315.3), dbSNP rs867171213, ClinGen allele CA408405478.